The following is an entry in ClinVar:

NM_000199.5(SGSH):c.1097del (p.Ser366fs)

Gene: SGSH (N-sulfoglucosamine sulfohydrolase; minus strand). Cytogenetic location: 17q25.3.
Variant type: Deletion.
Coding change: c.1097del on transcript NM_000199.5 (MANE Select); coding-DNA position 1097, one base deleted (G; older notation c.1097delG).
Protein change: p.Ser366fs; shifts the reading frame from serine 366.
Molecular consequence: frameshift variant. On other transcripts: 3 prime UTR variant (2), non-coding transcript variant (1).
Genome position (GRCh38, 1-based): chr17:80,210,864, C deleted on the plus strand (G on the coding strand, the reverse complement: SGSH is on the minus strand). VCF-style (leftmost placement, unchanged base first): chr17-80210863-GC-G. GRCh37 (hg19) VCF-style: chr17-78184662-GC-G.
Other names: c.*184del (NM_001352921.3); c.*147del (NM_001352922.2); short protein forms S366fs.
Identifiers: ClinVar variation 638090 (VCV000638090.1), dbSNP rs1598738720, ClinGen allele CA915952228.

ClinVar aggregate classification (germline): Likely pathogenic (1 of 4 stars; one submission).

Conditions:
Mucopolysaccharidosis, MPS-III-A (MPS3A). Also called: Mucopolysaccharidosis, type IIIA; MPS IIIA (Sanfilippo Syndrome Type A); MPS III A; SANFILIPPO SYNDROME A; SULFAMIDASE DEFICIENCY; Mucopolysaccharidosis type IIIA (Sanfilippo A). Identifiers: Orphanet 581, Orphanet 79269, MedGen C0086647, MONDO:0009655, OMIM 252900.

Submission:

Laboratory of Diagnosis and Therapy of Lysosomal Disorders, University of Padova
Classification: Likely pathogenic for Mucopolysaccharidosis, MPS-III-A. Last evaluated: 2019-01-01. Review status: criteria provided, single submitter. Criteria: ACMG Guidelines, 2015. Collection method: literature only. Allele origin: germline. Affected: yes.
Comment: PVS1: frameshift. PM2: Absent from GnomAD

Literature cited by the submitters: PubMed 30809705.